The following is an entry in ClinVar:

NM_000719.7(CACNA1C):c.5226G>A (p.Ser1742=)

Genes: CACNA1C (calcium voltage-gated channel subunit alpha1 C; plus strand), CACNA1C-AS1 (CACNA1C antisense RNA 1; minus strand). Cytogenetic location: 12p13.33.
Variant type: single nucleotide variant.
Coding change: c.5226G>A on transcript NM_000719.7 (MANE Select); coding-DNA position 5226, G replaced by A.
Protein change: p.Ser1742=; no amino-acid change (serine 1742 retained).
Molecular consequence: synonymous variant.
Genome position (GRCh38, 1-based): chr12:2,679,578, G>A. VCF-style: chr12-2679578-G-A. GRCh37 (hg19) VCF-style: chr12-2788744-G-A.
Other names: c.5370G>A, p.Ser1790= (NM_001129827.2, NM_199460.4); c.5349G>A, p.Ser1783= (NM_001129829.2); c.5226G>A, p.Ser1742= (NM_001129830.3, NM_001129840.2, NM_001129841.2 and 4 more transcripts); c.5310G>A, p.Ser1770= (NM_001129831.2); c.5286G>A, p.Ser1762= (NM_001129832.2); c.5283G>A, p.Ser1761= (NM_001129833.2, NM_001129834.2, NM_001129835.2); c.5277G>A, p.Ser1759= (NM_001129836.2); c.5250G>A, p.Ser1750= (NM_001129837.2, NM_001129838.2); and 3 more.
Identifiers: ClinVar variation 515134 (VCV000515134.13), dbSNP rs368281620, ClinGen allele CA6389735.

ClinVar aggregate classification (germline): Likely benign. Review status: criteria provided, multiple submitters, no conflicts (2 of 4 stars). 3 submissions from 3 submitters: Likely benign (3). Last evaluated 2026-01-28.

Conditions:
Cardiovascular phenotype. Identifiers: MedGen CN230736.
Long QT syndrome (LQTS). Identifiers: MedGen C0023976, MeSH D008133, MONDO:0002442. Disease mechanism: loss of function. Inheritance: Various modes of inheritance.

Allele frequency attached by ClinVar (database versions not stated): gnomAD exomes 0.00002 and 0.00003; ExAC 0.00004; gnomAD 0.00004; TOPMed 0.00005; ESP Exome Variant Server 0.00008.
gnomAD v4.1: 49 of 1,613,508 alleles (0.003%); highest among the groups gnomAD compares: African/African-American, 0.0053%; no homozygotes.

Submissions (3):

Labcorp Genetics (formerly Invitae), Labcorp
Classification: Likely benign for Long QT syndrome. Last evaluated: 2026-01-28. Review status: criteria provided, single submitter. Criteria: Invitae Variant Classification Sherloc (09022015). Collection method: clinical testing. Allele origin: germline.

Ambry Genetics
Classification: Likely benign for Cardiovascular phenotype. Last evaluated: 2022-12-04. Review status: criteria provided, single submitter. Criteria: Ambry Variant Classification Scheme 2023. Collection method: clinical testing. Allele origin: germline.

GeneDx
Classification: Likely benign. Last evaluated: 2018-01-31. Review status: criteria provided, single submitter. Criteria: GeneDx Variant Classification (06012015). Collection method: clinical testing. Allele origin: germline. Affected: yes.
Comment: This variant is considered likely benign or benign based on one or more of the following criteria: it is a conservative change, it occurs at a poorly conserved position in the protein, it is predicted to be benign by multiple in silico algorithms, and/or has population frequency not consistent with disease.